The following is an entry in ClinVar:

NM_001042545.2(LTBP4):c.3994G>T (p.Glu1332Ter)

Gene: LTBP4 (latent transforming growth factor beta binding protein 4; plus strand). Cytogenetic location: 19q13.2.
Variant type: single nucleotide variant.
Coding change: c.3994G>T on transcript NM_001042545.2 (MANE Select); coding-DNA position 3994, G replaced by T.
Protein change: p.Glu1332Ter; replaces glutamic acid 1332 with a stop codon.
Molecular consequence: nonsense.
Genome position (GRCh38, 1-based): chr19:40,626,983, G>T. VCF-style: chr19-40626983-G-T. GRCh37 (hg19) VCF-style: chr19-41132888-G-T.
Other names: c.4195G>T, p.Glu1399Ter (NM_001042544.1); c.4084G>T, p.Glu1362Ter (NM_003573.2); short protein forms E1332*, E1362*, E1399*.
Identifiers: ClinVar variation 2744609 (VCV002744609.3), dbSNP rs2081638052, ClinGen allele CA405910297.

ClinVar aggregate classification (germline): Pathogenic (1 of 4 stars; one submission).

gnomAD v4.1: 3 of 1,554,780 alleles (0.00019%); highest among the groups gnomAD compares: Non-Finnish European, 0.00026%; no homozygotes.

Submission:

Labcorp Genetics (formerly Invitae), Labcorp
Classification: Pathogenic. Last evaluated: 2025-11-15. Review status: criteria provided, single submitter. Criteria: Invitae Variant Classification Sherloc (09022015). Collection method: clinical testing. Allele origin: germline.
Comment: This sequence change creates a premature translational stop signal (p.Glu1362*) in the LTBP4 gene. It is expected to result in an absent or disrupted protein product. Loss-of-function variants in LTBP4 are known to be pathogenic (PMID: 19836010, 22829427). This variant is not present in population databases (gnomAD no frequency). This variant has not been reported in the literature in individuals affected with LTBP4-related conditions. ClinVar contains an entry for this variant (Variation ID: 2744609). Algorithms developed to predict the effect of sequence changes on RNA splicing suggest that this variant may disrupt the consensus splice site. For these reasons, this variant has been classified as Pathogenic.

Literature cited by the submitters: PubMed 19836010; PubMed 22829427.